The following is an entry in ClinVar:

ClinVar aggregate classification (germline): Uncertain significance. Review status: criteria provided, single submitter (1 of 4 stars). 2 submissions from 2 submitters: Uncertain significance (1). 1 of the submissions does not count toward it. Last evaluated 2023-06-22.

Conditions:
Prostate cancer, hereditary, 1 (HPC1). Identifiers: Orphanet 1331, MedGen C4722327, MONDO:0011098, OMIM 601518.

Submissions (2):

Labcorp Genetics (formerly Invitae), Labcorp
Classification: Uncertain significance. Last evaluated: 2023-06-22. Review status: criteria provided, single submitter. Criteria: Invitae Variant Classification Sherloc (09022015). Collection method: clinical testing. Allele origin: germline.
Comment: In summary, the available evidence is currently insufficient to determine the role of this variant in disease. Therefore, it has been classified as a Variant of Uncertain Significance. Advanced modeling of protein sequence and biophysical properties (such as structural, functional, and spatial information, amino acid conservation, physicochemical variation, residue mobility, and thermodynamic stability) performed at Invitae indicates that this missense variant is not expected to disrupt HOXB13 protein function. ClinVar contains an entry for this variant (Variation ID: 690516). This variant has not been reported in the literature in individuals affected with HOXB13-related conditions. This variant is not present in population databases (gnomAD no frequency). This sequence change replaces phenylalanine, which is neutral and non-polar, with leucine, which is neutral and non-polar, at codon 199 of the HOXB13 protein (p.Phe199Leu).

Laboratory of Virology, Microbiology,  Quality and Medical Biotechnologies, Faculty of Sciences and Techniques - Mohammedia, Hassan II University of Casablanca
Classification: Uncertain significance for Prostate cancer, hereditary, 1. Review status: no assertion criteria provided. Collection method: clinical testing. Allele origin: somatic. Affected: yes. Not counted in ClinVar's aggregate classification.

NM_006361.6(HOXB13):c.595T>C (p.Phe199Leu)

Gene: HOXB13 (homeobox B13; minus strand). Cytogenetic location: 17q21.32.
Variant type: single nucleotide variant.
Coding change: c.595T>C on transcript NM_006361.6 (MANE Select); coding-DNA position 595, T replaced by C.
Protein change: p.Phe199Leu; replaces phenylalanine 199 with leucine.
Molecular consequence: missense variant.
Genome position (GRCh38, 1-based): chr17:48,727,999, A>G on the plus strand (T>C on the coding strand, the complement: HOXB13 is on the minus strand). VCF-style: chr17-48727999-A-G. GRCh37 (hg19) VCF-style: chr17-46805361-A-G.
Other names: short protein forms F199L.
Identifiers: ClinVar variation 690516 (VCV000690516.5), dbSNP rs1597933703, ClinGen allele CA400107107.